The following is an entry in ClinVar:

ClinVar aggregate classification (germline): Uncertain significance. Review status: criteria provided, multiple submitters, no conflicts (2 of 4 stars). 2 submissions from 2 submitters: Uncertain significance (2). Last evaluated 2025-11-04.

Allele frequency attached by ClinVar (database versions not stated): TOPMed 0.00002; gnomAD 0.00003.
gnomAD v4.1: 6 of 1,609,768 alleles (0.00037%); highest among the groups gnomAD compares: Admixed American, 0.01%; no homozygotes.

Submissions (2):

Labcorp Genetics (formerly Invitae), Labcorp
Classification: Uncertain significance. Last evaluated: 2025-11-04. Review status: criteria provided, single submitter. Criteria: Invitae Variant Classification Sherloc (09022015). Collection method: clinical testing. Allele origin: germline.
Comment: This sequence change replaces leucine, which is neutral and non-polar, with serine, which is neutral and polar, at codon 520 of the ANLN protein (p.Leu520Ser). This variant is present in population databases (rs759477786, gnomAD 0.006%). This variant has not been reported in the literature in individuals affected with ANLN-related conditions. ClinVar contains an entry for this variant (Variation ID: 2762209). Invitae Evidence Modeling of protein sequence and biophysical properties (such as structural, functional, and spatial information, amino acid conservation, physicochemical variation, residue mobility, and thermodynamic stability) indicates that this missense variant is not expected to disrupt ANLN protein function with a negative predictive value of 80%. In summary, the available evidence is currently insufficient to determine the role of this variant in disease. Therefore, it has been classified as a Variant of Uncertain Significance.

Ambry Genetics
Classification: Uncertain significance. Last evaluated: 2024-12-16. Review status: criteria provided, single submitter. Criteria: Ambry Variant Classification Scheme 2023. Collection method: clinical testing. Allele origin: germline.

NM_018685.5(ANLN):c.1559T>C (p.Leu520Ser)

Gene: ANLN (anillin, actin binding protein; plus strand). Cytogenetic location: 7p14.2.
Variant type: single nucleotide variant.
Coding change: c.1559T>C on transcript NM_018685.5 (MANE Select); coding-DNA position 1559, T replaced by C.
Protein change: p.Leu520Ser; replaces leucine 520 with serine.
Molecular consequence: missense variant. On other transcripts: intron variant (2).
Genome position (GRCh38, 1-based): chr7:36,417,116, T>C. VCF-style: chr7-36417116-T-C. GRCh37 (hg19) VCF-style: chr7-36456725-T-C.
Other names: c.1522+1232T>C (NM_001284301.3, NM_001284302.3); c.1559T>C (NM_018685.2); short protein forms L520S.
Identifiers: ClinVar variation 2762209 (VCV002762209.4), dbSNP rs759477786, ClinGen allele CA4219650.
Genomic context (GRCh38, chr7:36,417,116, plus strand): 5'-ATGGTCTTTCTTAAACATTTTTAGGTTTCACTGAATGCGAAATGACGAAATCTAGCCCTT[T>C]GAAAATAACATTGTTTTTAGAAGAGGACAAATCCTTAAAAGTAACATCAGACCCAAAGGT-3'
Protein context (NP_061155.2, residues 510-530): TECEMTKSSP[Leu520Ser]KITLFLEEDK